The following is an entry in ClinVar:

ClinVar aggregate classification (germline): Uncertain significance. Review status: criteria provided, multiple submitters, no conflicts (2 of 4 stars). 2 submissions from 2 submitters: Uncertain significance (2). Last evaluated 2024-02-03.

Conditions:
Asphyxiating thoracic dystrophy 4 (SRTD4). Also called: SHORT-RIB THORACIC DYSPLASIA 4 WITH OR WITHOUT POLYDACTYLY; SHORT-RIB THORACIC DYSPLASIA 4. Identifiers: Orphanet 474, MedGen C3151185, MONDO:0013441, OMIM 613819.
Nephronophthisis 12 (NPHP12). Identifiers: Orphanet 655, MedGen C3151186, MONDO:0013442, OMIM 613820.

gnomAD v4.1: 2 of 1,613,680 alleles (0.00012%); highest among the groups gnomAD compares: Non-Finnish European, 0.00017%; no homozygotes.

Submissions (2):

Fulgent Genetics
Classification: Uncertain significance for Asphyxiating thoracic dystrophy 4; Nephronophthisis 12. Last evaluated: 2024-02-03. Review status: criteria provided, single submitter. Criteria: ACMG Guidelines, 2015. Collection method: clinical testing. Allele origin: germline.

Mayo Clinic Laboratories, Mayo Clinic
Classification: Uncertain significance. Last evaluated: 2023-12-06. Review status: criteria provided, single submitter. Criteria: ACMG Guidelines, 2015. Collection method: clinical testing. Allele origin: germline. Observed: 1 variant allele.
Comment: BP4, PM2

NM_024753.5(TTC21B):c.3364C>T (p.Leu1122Phe)

Gene: TTC21B (tetratricopeptide repeat domain 21B; minus strand). Cytogenetic location: 2q24.3.
Variant type: single nucleotide variant.
Coding change: c.3364C>T on transcript NM_024753.5 (MANE Select); coding-DNA position 3364, C replaced by T.
Protein change: p.Leu1122Phe; replaces leucine 1122 with phenylalanine.
Molecular consequence: missense variant.
Genome position (GRCh38, 1-based): chr2:165,888,374, G>A on the plus strand (C>T on the coding strand, the complement: TTC21B is on the minus strand). VCF-style: chr2-165888374-G-A. GRCh37 (hg19) VCF-style: chr2-166744884-G-A.
Other names: p.Leu1122Phe; short protein forms L1122F.
Identifiers: ClinVar variation 3380845 (VCV003380845.2).